The following is an entry in ClinVar:

NM_006424.3(SLC34A2):c.460A>G (p.Thr154Ala)

Gene: SLC34A2 (solute carrier family 34 member 2; plus strand). Cytogenetic location: 4p15.2.
Variant type: single nucleotide variant.
Coding change: c.460A>G on transcript NM_006424.3 (MANE Select); coding-DNA position 460, A replaced by G.
Protein change: p.Thr154Ala; replaces threonine 154 with alanine.
Molecular consequence: missense variant.
Genome position (GRCh38, 1-based): chr4:25,666,208, A>G. VCF-style: chr4-25666208-A-G. GRCh37 (hg19) VCF-style: chr4-25667830-A-G.
Other names: c.457A>G, p.Thr153Ala (NM_001177998.2, NM_001177999.2); short protein forms T153A, T154A.
Identifiers: ClinVar variation 1048918 (VCV001048918.2), dbSNP rs201866415, ClinGen allele CA2879467.

ClinVar aggregate classification (germline): Uncertain significance. Review status: criteria provided, single submitter (1 of 4 stars). 2 submissions from 2 submitters: Uncertain significance (1). 1 of the submissions does not count toward it.

Conditions:
PULMONARY ALVEOLAR MICROLITHIASIS. Identifiers: Orphanet 60025, MedGen C0155912, MONDO:0009928, OMIM 265100.

Allele frequency attached by ClinVar (database versions not stated): ExAC 0.00002; gnomAD exomes 0.00002 and 0.00005; TOPMed 0.00002; gnomAD 0.00003.
gnomAD v4.1: 77 of 1,613,910 alleles (0.0048%); highest among the groups gnomAD compares: Non-Finnish European, 0.0064%; no homozygotes.

Submissions (2):

Breakthrough Genomics
Classification: Uncertain significance. Review status: criteria provided, single submitter. Criteria: ACMG Guidelines, 2015. Collection method: not provided. Allele origin: germline. Inheritance: Autosomal recessive inheritance. Affected: yes.

Department of Pathology and Laboratory Medicine, Sinai Health System
Classification: Uncertain significance for PULMONARY ALVEOLAR MICROLITHIASIS. Review status: no assertion criteria provided. Collection method: clinical testing. Allele origin: unknown. Affected: yes. Study: The Canadian Open Genetics Repository (COGR). Not counted in ClinVar's aggregate classification.
Comment: The SLC34A2 p.T154A variant was not identified in the literature nor was it identified in ClinVar. The variant was identified in dbSNP (ID: rs201866415) and in control databases in 6 of 282646 chromosomes at a frequency of 0.00002123, where it was observed only in the European (non-Finnish) population in 6 of 129066 chromosomes (freq: 0.00004649) (Genome Aggregation Database March 6, 2019, v2.1.1). The p.T154 residue is conserved in mammals and more distantly related organisms, and computational analyses (MUT Assesor, PolyPhen-2, SIFT, MutationTaster, Revel, FATHMM, MetaLR, DANN) suggest that the variant may impact the protein; however, this information is not predictive enough to assume pathogenicity. The variant occurs outside of the splicing consensus sequence and in silico or computational prediction software programs (Splice AI exome) do not predict a difference in splicing. In summary, based on the above information the clinical significance of this variant cannot be determined with certainty at this time. This variant is classified as a variant of uncertain significance.